The following is an entry in ClinVar:

ClinVar aggregate classification (germline): Conflicting classifications of pathogenicity. Review status: criteria provided, conflicting classifications (1 of 4 stars). 3 submissions from 3 submitters: Likely pathogenic (1); Uncertain significance (1). 1 of the submissions does not count toward it. Last evaluated 2022-07-26.

Conditions:
Usher syndrome type 1 (USH1). Also called: RETINITIS PIGMENTOSA AND CONGENITAL DEAFNESS. Identifiers: Orphanet 231169, Orphanet 886, MedGen C1568247, MONDO:0010168, OMIM 276900.
CDH23-related disorder. Also called: CDH23-related disorders; CDH23-related condition.

Allele frequency attached by ClinVar (database versions not stated): gnomAD exomes below 0.00001; gnomAD 0.00001.
gnomAD v4.1: 6 of 1,612,334 alleles (0.00037%); highest among the groups gnomAD compares: East Asian, 0.0022%; no homozygotes.

Submissions (3):

Labcorp Genetics (formerly Invitae), Labcorp
Classification: Uncertain significance. Last evaluated: 2022-07-26. Review status: criteria provided, single submitter. Criteria: Invitae Variant Classification Sherloc (09022015). Collection method: clinical testing. Allele origin: germline.
Comment: This sequence change falls in intron 47 of the CDH23 gene. It does not directly change the encoded amino acid sequence of the CDH23 protein. It affects a nucleotide within the consensus splice site. This variant is not present in population databases (gnomAD no frequency). This variant has not been reported in the literature in individuals affected with CDH23-related conditions. ClinVar contains an entry for this variant (Variation ID: 957858). Variants that disrupt the consensus splice site are a relatively common cause of aberrant splicing (PMID: 17576681, 9536098). Algorithms developed to predict the effect of sequence changes on RNA splicing suggest that this variant may create or strengthen a splice site. In summary, the available evidence is currently insufficient to determine the role of this variant in disease. Therefore, it has been classified as a Variant of Uncertain Significance.

Blueprint Genetics
Classification: Likely pathogenic for CDH23-related disorders. Last evaluated: 2019-09-11. Review status: criteria provided, single submitter. Criteria: ACMG Guidelines, 2015. Collection method: clinical testing. Allele origin: germline. Affected: yes. Observed: 1 variant allele.

Natera, Inc.
Classification: Uncertain significance for Usher syndrome type 1. Last evaluated: 2021-06-27. Review status: no assertion criteria provided. Collection method: clinical testing. Allele origin: germline. Not counted in ClinVar's aggregate classification.

Literature cited by the submitters: PubMed 17576681 (cited by Labcorp Genetics (formerly Invitae), Labcorp); PubMed 9536098 (cited by Labcorp Genetics (formerly Invitae), Labcorp).

NM_022124.6(CDH23):c.6253+5G>A

Gene: CDH23 (cadherin related 23; plus strand). Cytogenetic location: 10q22.1.
Variant type: single nucleotide variant.
Coding change: c.6253+5G>A on transcript NM_022124.6 (MANE Select); 5 bases into the intron after coding-DNA position 6253, G replaced by A.
Molecular consequence: intron variant.
Genome position (GRCh38, 1-based): chr10:71,791,340, G>A. VCF-style: chr10-71791340-G-A. GRCh37 (hg19) VCF-style: chr10-73551097-G-A.
Identifiers: ClinVar variation 957858 (VCV000957858.7), dbSNP rs1748135455, ClinGen allele CA929789186.
Genomic context (GRCh38, chr10:71,791,340, plus strand): 5'-GCCCACCTTTAGCCCTGCCACCCTCACTGTCCATCTGCTAGAGAACTGCCCGCCTGGTAA[G>A]CAGGGGACAGGCCCCAGCACCCCACAACCAGGGGCCGGTTGGTGGTCACAGGGGACTGGA-3'